The following is an entry in ClinVar:

ClinVar aggregate classification (germline): Uncertain significance. Review status: criteria provided, multiple submitters, no conflicts (2 of 4 stars). 2 submissions from 2 submitters: Uncertain significance (2). Last evaluated 2023-07-18.

Conditions:
Hereditary cancer-predisposing syndrome. Also called: Tumor predisposition; Neoplastic Syndromes, Hereditary; Hereditary Cancer Syndrome; Hereditary neoplastic syndrome. Identifiers: Orphanet 140162, MedGen C0027672, MeSH D009386, MONDO:0015356.
Familial thoracic aortic aneurysm and aortic dissection (TAAD). Also called: Thoracic aortic aneurysms and dissections. Identifiers: Orphanet 91387, MedGen C4707243, MONDO:0019625.
Juvenile polyposis syndrome (JPS). Identifiers: Orphanet 2929, MedGen C0345893, MONDO:0017380, OMIM 174900.

Submissions (2):

Labcorp Genetics (formerly Invitae), Labcorp
Classification: Uncertain significance for Juvenile polyposis syndrome. Last evaluated: 2023-07-18. Review status: criteria provided, single submitter. Criteria: Invitae Variant Classification Sherloc (09022015). Collection method: clinical testing. Allele origin: germline.
Comment: This sequence change falls in intron 10 of the SMAD4 gene. It does not directly change the encoded amino acid sequence of the SMAD4 protein. It affects a nucleotide within the consensus splice site. In summary, the available evidence is currently insufficient to determine the role of this variant in disease. Therefore, it has been classified as a Variant of Uncertain Significance. Variants that disrupt the consensus splice site are a relatively common cause of aberrant splicing (PMID: 17576681, 9536098). Algorithms developed to predict the effect of sequence changes on RNA splicing suggest that this variant may disrupt the consensus splice site. ClinVar contains an entry for this variant (Variation ID: 1769555). This variant has not been reported in the literature in individuals affected with SMAD4-related conditions. This variant is not present in population databases (gnomAD no frequency).

Ambry Genetics
Classification: Uncertain significance for Hereditary cancer-predisposing syndrome; Familial thoracic aortic aneurysm and aortic dissection. Last evaluated: 2021-02-24. Review status: criteria provided, single submitter. Criteria: Ambry Variant Classification Scheme 2023. Collection method: clinical testing. Allele origin: germline.
Comment: The c.1308+5_1308+11delGTTACAA intronic variant, located in intron 9 of the SMAD4 gene, results from a deletion of 7 nucleotides within intron 9 of the SMAD4 gene. This nucleotide region is not well conserved in available vertebrate species. In silico splice site analysis for this alteration is inconclusive. Since supporting evidence is limited at this time, the clinical significance of this alteration remains unclear.

Literature cited by the submitters: PubMed 17576681 (cited by Labcorp Genetics (formerly Invitae), Labcorp); PubMed 9536098 (cited by Labcorp Genetics (formerly Invitae), Labcorp).

NM_005359.6(SMAD4):c.1308+5_1308+11del

Gene: SMAD4 (SMAD family member 4; plus strand). Cytogenetic location: 18q21.2.
Variant type: Deletion.
Coding change: c.1308+5_1308+11del on transcript NM_005359.6 (MANE Select); bases 5 to 11 of the intron after coding-DNA position 1308, 7 bases deleted (GTTACAA; older notation c.1308+5_1308+11delGTTACAA).
Molecular consequence: intron variant.
Genome position (GRCh38, 1-based): chr18:51,067,192-51,067,198, GTTACAA deleted; deleting any 7 consecutive bases within chr18:51,067,191-51,067,198 gives the same sequence; the c. name uses the placement nearest the transcript's 3' end. VCF-style (leftmost placement, unchanged base first): chr18-51067190-TAGTTACA-T. GRCh37 (hg19) VCF-style: chr18-48593560-TAGTTACA-T.
Identifiers: ClinVar variation 1769555 (VCV001769555.5), dbSNP rs1910187143, ClinGen allele CA2302981569.